The following is an entry in ClinVar:

NM_003072.5(SMARCA4):c.1908C>T (p.Ala636=)

Gene: SMARCA4 (SWI/SNF related BAF chromatin remodeling complex subunit ATPase 4; plus strand). Cytogenetic location: 19p13.2.
Variant type: single nucleotide variant.
Coding change: c.1908C>T on transcript NM_003072.5 (MANE Select); coding-DNA position 1908, C replaced by T.
Protein change: p.Ala636=; no amino-acid change (alanine 636 retained).
Molecular consequence: synonymous variant. On other transcripts: non-coding transcript variant (1).
Genome position (GRCh38, 1-based): chr19:11,003,124, C>T. VCF-style: chr19-11003124-C-T. GRCh37 (hg19) VCF-style: chr19-11113800-C-T.
Other names: c.1908C>T, p.Ala636= (NM_001128844.3, NM_001128845.2, NM_001128846.2 and 5 more transcripts).
Identifiers: ClinVar variation 470269 (VCV000470269.44), dbSNP rs548456029, ClinGen allele CA9203929.
Genomic context (GRCh38, chr19:11,003,124, plus strand): 5'-GGTGAAGGTGATCCACGTGGAGAGTGGGAAGATCCTCACAGGCACAGATGCCCCCAAAGC[C>T]GGGCAGCTGGAGGCCTGGCTCGAGATGAACCCGGGGTGAGTTGGGCCTTGCATTCCAGAT-3'
Protein context (NP_003063.2, residues 626-646): KILTGTDAPK[Ala636=]GQLEAWLEMN

ClinVar aggregate classification (germline): Benign/Likely benign. Review status: criteria provided, multiple submitters, no conflicts (2 of 4 stars). 7 submissions from 7 submitters: Benign (2); Likely benign (5). Last evaluated 2026-07-10.

Conditions:
SMARCA4-related disorder. Also called: SMARCA4-related condition.
Hereditary cancer-predisposing syndrome. Also called: Hereditary Cancer Syndrome; Hereditary neoplastic syndrome; Neoplastic Syndromes, Hereditary; Tumor predisposition. Identifiers: Orphanet 140162, MedGen C0027672, MeSH D009386, MONDO:0015356.
Rhabdoid tumor predisposition syndrome 2 (RTPS2). Identifiers: Orphanet 231108, Orphanet 69077, MedGen C2750074, MONDO:0013224, OMIM 613325.

Allele frequency attached by ClinVar (database versions not stated): gnomAD exomes 0.00001 and 0.00003; TOPMed 0.00001; gnomAD 0.00002; 1000 Genomes Project 30x 0.00078; ExAC 0.00005; 1000 Genomes Project 0.00080.
gnomAD v4.1: 24 of 1,614,120 alleles (0.0015%); highest among the groups gnomAD compares: South Asian, 0.0088%; no homozygotes.

Submissions (7):

Myriad Genetics, Inc.
Classification: Benign for Rhabdoid tumor predisposition syndrome 2. Last evaluated: 2026-07-10. Review status: criteria provided, single submitter. Criteria: Myriad Autosomal Dominant, Autosomal Recessive and X-Linked Classification Criteria (2023). Collection method: clinical testing. Allele origin: unknown.
Comment: This variant is considered benign. This variant is a silent/synonymous amino acid change and it is not expected to impact splicing.

CeGaT Center for Human Genetics Tuebingen
Classification: Likely benign. Last evaluated: 2026-07-01. Review status: criteria provided, single submitter. Criteria: CeGaT Center For Human Genetics Tuebingen Variant Classification Criteria Version 2. Collection method: clinical testing. Allele origin: germline. Affected: yes. Observed: 2 variant alleles.
Comment: SMARCA4: BP4, BP7

Labcorp Genetics (formerly Invitae), Labcorp
Classification: Likely benign for Rhabdoid tumor predisposition syndrome 2. Last evaluated: 2025-12-30. Review status: criteria provided, single submitter. Criteria: Invitae Variant Classification Sherloc (09022015). Collection method: clinical testing. Allele origin: germline.

PreventionGenetics, part of Exact Sciences
Classification: Likely benign for SMARCA4-related condition. Last evaluated: 2025-05-12. Review status: criteria provided, single submitter. Criteria: ACMG Guidelines, 2015. Collection method: clinical testing. Allele origin: germline.
Comment: This variant is classified as likely benign based on ACMG/AMP sequence variant interpretation guidelines (Richards et al. 2015 PMID: 25741868, with internal and published modifications).

Blueprint Genetics
Classification: Likely benign. Last evaluated: 2024-05-24. Review status: criteria provided, single submitter. Criteria: ACMG Guidelines, 2015. Collection method: clinical testing. Allele origin: germline.

Quest Diagnostics Nichols Institute San Juan Capistrano
Classification: Benign. Last evaluated: 2023-08-02. Review status: criteria provided, single submitter. Criteria: Quest Diagnostics criteria. Collection method: clinical testing. Allele origin: unknown.

Ambry Genetics
Classification: Likely benign for Hereditary cancer-predisposing syndrome. Last evaluated: 2015-11-04. Review status: criteria provided, single submitter. Criteria: Ambry Variant Classification Scheme 2023. Collection method: clinical testing. Allele origin: germline.